The following is an entry in ClinVar:

NM_001164665.2(KIAA1549):c.2494A>T (p.Ile832Phe)

Gene: KIAA1549 (KIAA1549; minus strand). Cytogenetic location: 7q34.
Variant type: single nucleotide variant.
Coding change: c.2494A>T on transcript NM_001164665.2 (MANE Select); coding-DNA position 2494, A replaced by T.
Protein change: p.Ile832Phe; replaces isoleucine 832 with phenylalanine.
Molecular consequence: missense variant.
Genome position (GRCh38, 1-based): chr7:138,917,132, T>A on the plus strand (A>T on the coding strand, the complement: KIAA1549 is on the minus strand). VCF-style: chr7-138917132-T-A. GRCh37 (hg19) VCF-style: chr7-138601878-T-A.
Other names: c.2494A>T, p.Ile832Phe (NM_020910.3); short protein forms I832F.
Identifiers: ClinVar variation 1462708 (VCV001462708.7), dbSNP rs561146216, ClinGen allele CA4506494.

ClinVar aggregate classification (germline): Uncertain significance. Review status: criteria provided, multiple submitters, no conflicts (2 of 4 stars). 2 submissions from 2 submitters: Uncertain significance (2). Last evaluated 2025-02-03.

Allele frequency attached by ClinVar (database versions not stated): gnomAD 0.00002 and 0.00003; TOPMed 0.00002; gnomAD exomes 0.00004 and 0.00006; ExAC 0.00007; 1000 Genomes Project 30x 0.00016; 1000 Genomes Project 0.00020.
gnomAD v4.1: 58 of 1,613,300 alleles (0.0036%); highest among the groups gnomAD compares: Non-Finnish European, 0.0047%; no homozygotes.

Submissions (2):

Labcorp Genetics (formerly Invitae), Labcorp
Classification: Uncertain significance. Last evaluated: 2025-02-03. Review status: criteria provided, single submitter. Criteria: Invitae Variant Classification Sherloc (09022015). Collection method: clinical testing. Allele origin: germline.
Comment: This sequence change replaces isoleucine, which is neutral and non-polar, with phenylalanine, which is neutral and non-polar, at codon 832 of the KIAA1549 protein (p.Ile832Phe). This variant is present in population databases (rs561146216, gnomAD 0.01%). This variant has not been reported in the literature in individuals affected with KIAA1549-related conditions. ClinVar contains an entry for this variant (Variation ID: 1462708). An algorithm developed to predict the effect of missense changes on protein structure and function (PolyPhen-2) suggests that this variant is likely to be tolerated. In summary, the available evidence is currently insufficient to determine the role of this variant in disease. Therefore, it has been classified as a Variant of Uncertain Significance.

Blueprint Genetics
Classification: Uncertain significance. Last evaluated: 2021-12-22. Review status: criteria provided, single submitter. Criteria: ACMG Guidelines, 2015. Collection method: clinical testing. Allele origin: germline.